The following is an entry in ClinVar:

NM_005477.3(HCN4):c.3385_3402dup (p.Gly1134_Leu1135insSerGlySerSerGlyGly)

Gene: HCN4 (hyperpolarization activated cyclic nucleotide gated potassium channel 4; minus strand). Cytogenetic location: 15q24.1.
Variant type: Duplication.
Coding change: c.3385_3402dup on transcript NM_005477.3 (MANE Select); coding-DNA positions 3385 to 3402, 18 bases duplicated (AGTGGGAGCAGCGGGGGC).
Protein change: p.Gly1134_Leu1135insSerGlySerSerGlyGly.
Molecular consequence: inframe insertion.
Genome position (GRCh38, 1-based): chr15:73,322,691-73,322,708, GCCCCCGCTGCTCCCACT duplicated on the plus strand (AGTGGGAGCAGCGGGGGC on the coding strand, the reverse complement: HCN4 is on the minus strand); duplicating any 18 consecutive bases within chr15:73,322,691-73,322,719 gives the same sequence; the c. name uses the placement nearest the transcript's 3' end. VCF-style (leftmost placement, unchanged base first): chr15-73322690-G-GGCCCCCGCTGCTCCCACT. GRCh37 (hg19) VCF-style: chr15-73615031-G-GGCCCCCGCTGCTCCCACT.
Identifiers: ClinVar variation 2626621 (VCV002626621.2), dbSNP rs772582176, ClinGen allele CA2582342623.
Genomic context (GRCh38, chr15:73,322,690, plus strand): 5'-TCCGAGGCAGAGTGACGTGCTGGCCGGGGATGGCACCATAGGGCCTCCCAGGGGGACCGA[G>GGCCCCCGCTGCTCCCACT]GCCCCCGCTGCTCCCACTGCCCCCGCTGCCACCCCCAGCCCTGGGGAAGAGCGGGAAGGC-3'

ClinVar aggregate classification (germline): Uncertain significance (1 of 4 stars; one submission).

Conditions:
Cardiovascular phenotype. Identifiers: MedGen CN230736.

Submission:

Ambry Genetics
Classification: Uncertain significance for Cardiovascular phenotype. Last evaluated: 2023-08-29. Review status: criteria provided, single submitter. Criteria: Ambry Variant Classification Scheme 2023. Collection method: clinical testing. Allele origin: germline.
Comment: The c.3385_3402dup18 variant (also known as p.S1129_G1134dup), located in coding exon 8 of the HCN4 gene, results from an in-frame duplication of 18 nucleotides at nucleotide positions 3385 to 3402. This results in the duplication of 6 extra residues (SGSSGG) between codons 1129 and 1134. This amino acid positions are not well conserved in available vertebrate species. In addition, this alteration is predicted to be neutral by in silico analysis (Choi Y et al. PLoS ONE. 2012; 7(10):e46688). Since supporting evidence is limited at this time, the clinical significance of this alteration remains unclear.